The following is an entry in ClinVar:

Conditions:
Breast-ovarian cancer, familial, susceptibility to, 1 (BROVCA1). Also called: BRCA1 Hereditary Breast and Ovarian Cancer; OVARIAN CANCER, SUSCEPTIBILITY TO. Identifiers: Orphanet 145, MedGen C2676676, MONDO:0011450, OMIM 604370. Disease mechanism: loss of function.

Submission:

Brotman Baty Institute, University of Washington
No classification provided (evidence only). Condition: Breast-ovarian cancer, familial 1. Review status: no classification provided. Collection method: in vitro. Allele origin: not applicable. Functional consequence: functionally_normal.
ClinVar note: "not provided" was previously submitted as the classification for the variant. However, the classification appeared to be based only on an observation of functional data so it was converted to no classification on 2025-07-30.

NM_007294.4(BRCA1):c.265A>C (p.Ile89Leu)

Gene: BRCA1 (BRCA1 DNA repair associated; minus strand). Cytogenetic location: 17q21.31.
Variant type: single nucleotide variant.
Coding change: c.265A>C on transcript NM_007294.4 (MANE Select); coding-DNA position 265, A replaced by C.
Protein change: p.Ile89Leu; replaces isoleucine 89 with leucine.
Molecular consequence: missense variant. On other transcripts: non-coding transcript variant (1).
Genome position (GRCh38, 1-based): chr17:43,104,904, T>G on the plus strand (A>C on the coding strand, the complement: BRCA1 is on the minus strand). VCF-style: chr17-43104904-T-G. GRCh37 (hg19) VCF-style: chr17-41256921-T-G.
Other names: c.55A>C, p.Ile19Leu (NM_001408491.1, NM_001408492.1, NM_001408493.1 and 58 more transcripts); c.265A>C, p.Ile89Leu (NM_001408494.1, NM_001408495.1, NM_007298.4 and 168 more transcripts); c.124A>C, p.Ile42Leu (NM_001408496.1, NM_001408497.1, NM_001408498.1 and 99 more transcripts); c.-117A>C (NM_001408510.1, NM_001408512.1, NM_001407959.1 and 4 more transcripts); c.187A>C, p.Ile63Leu (NM_001407653.1, NM_001407654.1, NM_001407655.1 and 21 more transcripts); c.133A>C, p.Ile45Leu (NM_001408451.1); short protein forms I42L, I89L, I45L, I63L, I19L.
Identifiers: ClinVar variation 868812 (VCV000868812.3), dbSNP rs2054681350, ClinGen allele CA10601625.
Genomic context (GRCh38, chr17:43,104,904, plus strand): 5'-ATTCTTGGGATATTCAACACTTACACTCCAAACCTGTGTCAAGCTGAAAAGCACAAATGA[T>G]TTTCAATAGCTCTTCAACAAGTTGACTAAATCTCGTACTTTCTTGTAGGCTCCTGAAATT-3'
Protein context (NP_009225.1, residues 79-99): FSQLVEELLK[Ile89Leu]ICAFQLDTGL